The following is an entry in ClinVar:

NM_002900.3(RBP3):c.1328G>A (p.Arg443His)

Gene: RBP3 (retinol binding protein 3; plus strand). Cytogenetic location: 10q11.22.
Variant type: single nucleotide variant.
Coding change: c.1328G>A on transcript NM_002900.3 (MANE Select); coding-DNA position 1328, G replaced by A.
Protein change: p.Arg443His; replaces arginine 443 with histidine.
Molecular consequence: missense variant.
Genome position (GRCh38, 1-based): chr10:47,349,812, G>A. VCF-style: chr10-47349812-G-A. GRCh37 (hg19) VCF-style: chr10-48389550-C-T.
Other names: short protein forms R443H.
Identifiers: ClinVar variation 1034662 (VCV001034662.13), dbSNP rs781844060, ClinGen allele CA5487550.

ClinVar aggregate classification (germline): Uncertain significance. Review status: criteria provided, multiple submitters, no conflicts (2 of 4 stars). 4 submissions from 4 submitters: Uncertain significance (3). 1 of the submissions does not count toward it. Last evaluated 2023-07-17.

Conditions:
Retinal dystrophy. Also called: Inherited retinal dystrophy. Identifiers: Orphanet 71862, MedGen C0854723, MeSH D058499, MONDO:0019118, HP:0000556.

Allele frequency attached by ClinVar (database versions not stated): gnomAD exomes 0.00002 and 0.00001; ExAC 0.00002.

Submissions (4):

Labcorp Genetics (formerly Invitae), Labcorp
Classification: Uncertain significance. Last evaluated: 2023-07-17. Review status: criteria provided, single submitter. Criteria: Invitae Variant Classification Sherloc (09022015). Collection method: clinical testing. Allele origin: germline.
Comment: In summary, the available evidence is currently insufficient to determine the role of this variant in disease. Therefore, it has been classified as a Variant of Uncertain Significance. An algorithm developed to predict the effect of missense changes on protein structure and function (PolyPhen-2) suggests that this variant is likely to be disruptive. ClinVar contains an entry for this variant (Variation ID: 1034662). This variant has not been reported in the literature in individuals affected with RBP3-related conditions. This variant is present in population databases (rs781844060, gnomAD 0.006%). This sequence change replaces arginine, which is basic and polar, with histidine, which is basic and polar, at codon 443 of the RBP3 protein (p.Arg443His).

Blueprint Genetics
Classification: Uncertain significance. Last evaluated: 2022-07-11. Review status: criteria provided, single submitter. Criteria: ACMG Guidelines, 2015. Collection method: clinical testing. Allele origin: germline.

Breakthrough Genomics
Classification: Uncertain significance. Review status: criteria provided, single submitter. Criteria: ACMG Guidelines, 2015. Collection method: not provided. Allele origin: germline. Inheritance: Autosomal recessive inheritance. Affected: yes.

Institute of Human Genetics, Univ. Regensburg, Univ. Regensburg
Classification: Uncertain significance for Retinal dystrophy. Last evaluated: 2023-01-01. Review status: no assertion criteria provided. Criteria: ACMG Guidelines, 2015. Collection method: clinical testing. Allele origin: germline. Affected: yes. Not counted in ClinVar's aggregate classification.